The following is an entry in ClinVar:

NM_006363.6(SEC23B):c.2152C>T (p.Arg718Ter)

Gene: SEC23B (SEC23 homolog B, COPII component; plus strand). Cytogenetic location: 20p11.23.
Variant type: single nucleotide variant.
Coding change: c.2152C>T on transcript NM_006363.6 (MANE Select); coding-DNA position 2152, C replaced by T.
Protein change: p.Arg718Ter; replaces arginine 718 with a stop codon.
Molecular consequence: nonsense.
Genome position (GRCh38, 1-based): chr20:18,555,111, C>T. VCF-style: chr20-18555111-C-T. GRCh37 (hg19) VCF-style: chr20-18535755-C-T.
Other names: c.2152C>T, p.Arg718Ter (NM_001172745.3, NM_032985.6, NM_032986.5); c.2098C>T, p.Arg700Ter (NM_001172746.3); short protein forms R700*, R718*.
Identifiers: ClinVar variation 2925652 (VCV002925652.6), dbSNP rs751349881, ClinGen allele CA9778621.
Genomic context (GRCh38, chr20:18,555,111, plus strand): 5'-TTAATATTAATGTCACTTTTTAATCTTTAAATCTTTTTGTTGTTGTTGTTGTTAAAGGCT[C>T]GATTCCTTTTGTCCAAAGTGAACCCATCTCAGACACACAATAACCTGTATGCTTGGGGAC-3'

ClinVar aggregate classification (germline): Pathogenic/Likely pathogenic. Review status: criteria provided, multiple submitters, no conflicts (2 of 4 stars). 4 submissions from 4 submitters: Pathogenic (3); Likely pathogenic (1). Last evaluated 2025-04-14.

Conditions:
SEC23B-related disorder. Also called: SEC23B-related disorders; SEC23B-related condition.
Congenital dyserythropoietic anemia, type II (CDAN2). Also called: DYSERYTHROPOIETIC ANEMIA, HEMPAS TYPE. Identifiers: Orphanet 98873, MedGen C1306589, MONDO:0009134, OMIM 224100.
Cowden syndrome 7 (CWS7). Identifiers: Orphanet 201, MedGen C4225179, MONDO:0014802, OMIM 616858.

Allele frequency attached by ClinVar (database versions not stated): gnomAD 0.00001; gnomAD exomes 0.00001; TOPMed 0.00001; ExAC 0.00002.
gnomAD v4.1: 13 of 1,613,134 alleles (0.00081%); highest among the groups gnomAD compares: African/African-American, 0.004%; no homozygotes.

Submissions (4):

3billion
Classification: Pathogenic for Congenital dyserythropoietic anemia, type II. Last evaluated: 2025-04-14. Review status: criteria provided, single submitter. Criteria: ACMG Guidelines, 2015. Collection method: clinical testing. Allele origin: germline. Affected: yes.
Comment: The variant is observed at an extremely low frequency in the gnomAD v4.1.0 dataset (total allele frequency: <0.001%). Predicted Consequence/Location:Missense variant. In silico tool predictions suggest damaging effect of the variant on gene or gene product [REVEL: 0.87 (>=0.6, sensitivity 0.68 and specificity 0.92); 3Cnet: 0.87 (> 0.75, sensitivity 0.96 and precision 0.92)].The same nucleotide change resulting in the same amino acid change has been previously reported as pathogenic/likely pathogenic with strong evidence (ClinVar ID: VCV000811391 / PMID: 10580570). The variant has been reported to co-segregate with the disease in at least 3 similarly affected relatives/individuals in the same family or similarly affected unrelated families (PMID: 31126250). A different missense change at the same codon (p.Arg490Cys) has been reported as pathogenic/likely pathogenic with strong evidence (ClinVar ID: VCV001162816 / PMID: 9233560).Therefore, this variant is classified as Pathogenic according to the recommendation of ACMG/AMP guideline.

ARUP Laboratories, Molecular Genetics and Genomics, ARUP Laboratories
Classification: Pathogenic. Last evaluated: 2024-05-23. Review status: criteria provided, single submitter. Criteria: ARUP Molecular Germline Variant Investigation Process 2024. Collection method: clinical testing. Allele origin: germline.
Comment: The SEC23B c.2152C>T; p.Arg718Ter variant (rs751349881) is reported in the literature in the heterozygous and compound heterozygous states at least three individuals affected with congenital dyserythropoietic anemia type II (Bianchi 2016, Moreno-Carralero 2018, Zheng 2024). This variant is reported in ClinVar (Variation ID: 2925652) and is found in the general population with an overall allele frequency of 0.001% (4/282796 alleles) in the Genome Aggregation Database (v2.1.1). This SEC23B variant induces an early termination codon and is predicted to result in a truncated protein or mRNA subject to nonsense-mediated decay. Additionally, several downstream truncating variants have been described in individuals with CDA II and are considered disease-causing (Bianchi 2016). Based on available information, this variant is considered to be pathogenic. References: Bianchi P et al. Analysis of a cohort of 101 CDAII patients: description of 24 new molecular variants and genotype-phenotype correlations. Br J Haematol. 2016 Nov. PMID: 27471141. Moreno-Carralero MI et al. Clinical and genetic features of congenital dyserythropoietic anemia (CDA). Eur J Haematol. 2018 Sep. PMID: 29901818. Zheng J et al. Congenital dyserythropoietic anemia type II in a newborn with a novel compound heterozygous mutation in the SEC23B: a case report and review of the literature. Int J Hematol. 2024 Feb. PMID: 38127226.

Labcorp Genetics (formerly Invitae), Labcorp
Classification: Pathogenic for Congenital dyserythropoietic anemia, type II; Cowden syndrome 7. Last evaluated: 2024-01-02. Review status: criteria provided, single submitter. Criteria: Invitae Variant Classification Sherloc (09022015). Collection method: clinical testing. Allele origin: germline.
Comment: This sequence change creates a premature translational stop signal (p.Arg718*) in the SEC23B gene. It is expected to result in an absent or disrupted protein product. Loss-of-function variants in SEC23B are known to be pathogenic (PMID: 19561605, 25044164). This variant is present in population databases (rs751349881, gnomAD 0.004%). This premature translational stop signal has been observed in individual(s) with congenital dyserythropoietic anaemia (PMID: 27471141). For these reasons, this variant has been classified as Pathogenic.

Blueprint Genetics
Classification: Likely pathogenic for SEC23B-related disorders. Last evaluated: 2022-12-22. Review status: criteria provided, single submitter. Criteria: ACMG Guidelines, 2015. Collection method: clinical testing. Allele origin: germline. Affected: yes. Observed: 4 variant alleles.

Literature cited by the submitters: PubMed 27471141 (cited by 3billion and Labcorp Genetics (formerly Invitae), Labcorp); PubMed 19561605 (cited by Labcorp Genetics (formerly Invitae), Labcorp); PubMed 25044164 (cited by Labcorp Genetics (formerly Invitae), Labcorp).